The following is an entry in ClinVar:

ClinVar aggregate classification (germline): Uncertain significance. Review status: criteria provided, multiple submitters, no conflicts (2 of 4 stars). 2 submissions from 2 submitters: Uncertain significance (2). Last evaluated 2025-12-15.

Conditions:
Inborn genetic diseases. Identifiers: MedGen C0950123, MeSH D030342.

Allele frequency attached by ClinVar (database versions not stated): ExAC 0.00008; ESP Exome Variant Server 0.00008; gnomAD exomes 0.00011 and 0.00014; gnomAD 0.00012 and 0.00014; TOPMed 0.00017.

Submissions (2):

Labcorp Genetics (formerly Invitae), Labcorp
Classification: Uncertain significance. Last evaluated: 2025-12-15. Review status: criteria provided, single submitter. Criteria: Invitae Variant Classification Sherloc (09022015). Collection method: clinical testing. Allele origin: germline.
Comment: This sequence change replaces valine, which is neutral and non-polar, with isoleucine, which is neutral and non-polar, at codon 247 of the ATP5A1 protein (p.Val247Ile). This variant is present in population databases (rs370646735, gnomAD 0.02%). This variant has not been reported in the literature in individuals affected with ATP5A1-related conditions. ClinVar contains an entry for this variant (Variation ID: 1682745). Invitae Evidence Modeling of protein sequence and biophysical properties (such as structural, functional, and spatial information, amino acid conservation, physicochemical variation, residue mobility, and thermodynamic stability) indicates that this missense variant is not expected to disrupt ATP5A1 protein function with a negative predictive value of 80%. In summary, the available evidence is currently insufficient to determine the role of this variant in disease. Therefore, it has been classified as a Variant of Uncertain Significance.

Ambry Genetics
Classification: Uncertain significance for Inborn genetic diseases. Last evaluated: 2025-01-01. Review status: criteria provided, single submitter. Criteria: Ambry Variant Classification Scheme 2023. Collection method: clinical testing. Allele origin: germline.

NM_004046.6(ATP5F1A):c.739G>A (p.Val247Ile)

Gene: ATP5F1A (ATP synthase F1 subunit alpha; minus strand). Cytogenetic location: 18q21.1.
Variant type: single nucleotide variant.
Coding change: c.739G>A on transcript NM_004046.6 (MANE Select); coding-DNA position 739, G replaced by A.
Protein change: p.Val247Ile; replaces valine 247 with isoleucine.
Molecular consequence: missense variant.
Genome position (GRCh38, 1-based): chr18:46,088,169, C>T on the plus strand (G>A on the coding strand, the complement: ATP5F1A is on the minus strand). VCF-style: chr18-46088169-C-T. GRCh37 (hg19) VCF-style: chr18-43668135-C-T.
Other names: c.739G>A (NM_001001937.1); c.589G>A, p.Val197Ile (NM_001001935.3, NM_001257335.2); c.739G>A, p.Val247Ile (NM_001001937.2); c.673G>A, p.Val225Ile (NM_001257334.2); short protein forms V197I, V225I, V247I.
Identifiers: ClinVar variation 1682745 (VCV001682745.11), dbSNP rs370646735, ClinGen allele CA8950735.